The following is an entry in ClinVar:

NM_012144.4(DNAI1):c.1063+1G>T

Gene: DNAI1 (dynein axonemal intermediate chain 1; plus strand). Cytogenetic location: 9p13.3.
Variant type: single nucleotide variant.
Coding change: c.1063+1G>T on transcript NM_012144.4 (MANE Select); the canonical splice donor site of the intron after coding-DNA position 1063, G replaced by T.
Molecular consequence: splice donor variant.
Genome position (GRCh38, 1-based): chr9:34,501,182, G>T. VCF-style: chr9-34501182-G-T. GRCh37 (hg19) VCF-style: chr9-34501180-G-T.
Other names: c.1075+1G>T (NM_001281428.2).
Identifiers: ClinVar variation 860952 (VCV000860952.9), dbSNP rs1268770869, ClinGen allele CA373254156.
Genomic context (GRCh38, chr9:34,501,182, plus strand): 5'-ATATTTTTTTTTGCAGGAATCCAAAGTACAGGGATCTGTTTGCAGTGGGATATGGCTCTT[G>T]TAAGTGATCTGACTATTCATTTATTTGCTCATGTAAACAGCAAACACTAAGTACCTACTC-3'

ClinVar aggregate classification (germline): Pathogenic/Likely pathogenic. Review status: criteria provided, multiple submitters, no conflicts (2 of 4 stars). 2 submissions from 2 submitters: Pathogenic (1); Likely pathogenic (1). Last evaluated 2022-11-15.

Conditions:
Primary ciliary dyskinesia. Also called: Ciliary dyskinesia. Identifiers: Orphanet 244, MedGen C0008780, MONDO:0016575, HP:0012265.
DNAI1-related disorders.

Allele frequency attached by ClinVar (database versions not stated): TOPMed 0.00001.

Submissions (2):

Labcorp Genetics (formerly Invitae), Labcorp
Classification: Pathogenic for Primary ciliary dyskinesia. Last evaluated: 2022-11-15. Review status: criteria provided, single submitter. Criteria: Invitae Variant Classification Sherloc (09022015). Collection method: clinical testing. Allele origin: germline.
Comment: This sequence change affects a donor splice site in intron 12 of the DNAI1 gene. It is expected to disrupt RNA splicing. Variants that disrupt the donor or acceptor splice site typically lead to a loss of protein function (PMID: 16199547), and loss-of-function variants in DNAI1 are known to be pathogenic (PMID: 16858015, 29363216). ClinVar contains an entry for this variant (Variation ID: 860952). Disruption of this splice site has been observed in individual(s) with clinical features of primary ciliary dyskinesia (PMID: 33131162, 33715250). In at least one individual the data is consistent with being in trans (on the opposite chromosome) from a pathogenic variant. This variant is not present in population databases (gnomAD no frequency). For these reasons, this variant has been classified as Pathogenic. Algorithms developed to predict the effect of sequence changes on RNA splicing suggest that this variant may disrupt the consensus splice site.

Blueprint Genetics
Classification: Likely pathogenic for DNAI1-related disorders. Last evaluated: 2021-12-03. Review status: criteria provided, single submitter. Criteria: ACMG Guidelines, 2015. Collection method: clinical testing. Allele origin: germline. Affected: yes. Observed: 1 variant allele.

Literature cited by the submitters: PubMed 16199547 (cited by Labcorp Genetics (formerly Invitae), Labcorp); PubMed 16858015 (cited by Labcorp Genetics (formerly Invitae), Labcorp); PubMed 29363216 (cited by Labcorp Genetics (formerly Invitae), Labcorp); PubMed 33131162 (cited by Labcorp Genetics (formerly Invitae), Labcorp); PubMed 33715250 (cited by Labcorp Genetics (formerly Invitae), Labcorp).